The following is an entry in ClinVar:

NM_172107.4(KCNQ2):c.476G>T (p.Gly159Val)

Gene: KCNQ2 (potassium voltage-gated channel subfamily Q member 2; minus strand). Cytogenetic location: 20q13.33.
Variant type: single nucleotide variant.
Coding change: c.476G>T on transcript NM_172107.4 (MANE Select); coding-DNA position 476, G replaced by T.
Protein change: p.Gly159Val; replaces glycine 159 with valine.
Molecular consequence: missense variant.
Genome position (GRCh38, 1-based): chr20:63,445,276, C>A on the plus strand (G>T on the coding strand, the complement: KCNQ2 is on the minus strand). VCF-style: chr20-63445276-C-A. GRCh37 (hg19) VCF-style: chr20-62076629-C-A.
Other names: c.476G>T, p.Gly159Val (NM_004518.6, NM_172106.3, NM_172108.5 and 1 more transcripts); short protein forms G159V.
Identifiers: ClinVar variation 438297 (VCV000438297.2), dbSNP rs1057516081, ClinGen allele CA409655208.

ClinVar aggregate classification (germline): Pathogenic. Review status: criteria provided, single submitter (1 of 4 stars). 2 submissions from 2 submitters: Pathogenic (1). 1 of the submissions does not count toward it. Last evaluated 2025-01-08.

Conditions:
Developmental and epileptic encephalopathy, 7 (DEE7). Also called: Early infantile epileptic encephalopathy 7; KCNQ2-Related Neonatal Epileptic Encephalopathy; KCNQ2-Related Neonatal-Onset Developmental and Epileptic Encephalopathy (NEO-DEE). Identifiers: Orphanet 439218, MedGen C3150986, MONDO:0013387, OMIM 613720.

Submissions (2):

Department of Neurology, Zibo Changguo Hospital
Classification: Pathogenic for Developmental and epileptic encephalopathy, 7. Last evaluated: 2025-01-08. Review status: criteria provided, single submitter. Criteria: ACMG Guidelines, 2015. Collection method: clinical testing. Allele origin: de novo. Inheritance: Autosomal dominant inheritance. Affected: yes.
Comment: PM5_Strong, PM1, PM6, PP3_Moderate, PM2_Supporting

Molecular Genetics Laboratory, BC Children's and BC Women's Hospitals
Classification: Likely pathogenic for Developmental and epileptic encephalopathy, 7. Last evaluated: 2017-03-27. Review status: no assertion criteria provided. Criteria: ACMG Guidelines, 2015. Collection method: clinical testing. Allele origin: de novo. Affected: yes. Not counted in ClinVar's aggregate classification.